The following is an entry in ClinVar:

NM_014249.4(NR2E3):c.1181C>T (p.Thr394Ile)

Gene: NR2E3 (nuclear receptor subfamily 2 group E member 3; plus strand). Cytogenetic location: 15q23.
Variant type: single nucleotide variant.
Coding change: c.1181C>T on transcript NM_014249.4 (MANE Select); coding-DNA position 1181, C replaced by T.
Protein change: p.Thr394Ile; replaces threonine 394 with isoleucine.
Molecular consequence: missense variant.
Genome position (GRCh38, 1-based): chr15:71,817,632, C>T. VCF-style: chr15-71817632-C-T. GRCh37 (hg19) VCF-style: chr15-72109973-C-T.
Other names: short protein forms T394I.
Identifiers: ClinVar variation 2785386 (VCV002785386.3), dbSNP rs2543260969, ClinGen allele CA393041534.
Genomic context (GRCh38, chr15:71,817,632, plus strand): 5'-TCCTCCCGTCTTTGAGGTTTATCACTGCGGAACGCATCGAGCTCCTCTTTTTCCGCAAGA[C>T]CATAGGGAATACTCCAATGGAGAAGCTCCTTTGTGATATGTTCAAAAACTAGTGGGGGTG-3'
Protein context (NP_055064.1, residues 384-404): ERIELLFFRK[Thr394Ile]IGNTPMEKLL

ClinVar aggregate classification (germline): Uncertain significance (1 of 4 stars; one submission).

Submission:

Labcorp Genetics (formerly Invitae), Labcorp
Classification: Uncertain significance. Last evaluated: 2023-07-17. Review status: criteria provided, single submitter. Criteria: Invitae Variant Classification Sherloc (09022015). Collection method: clinical testing. Allele origin: germline.
Comment: In summary, the available evidence is currently insufficient to determine the role of this variant in disease. Therefore, it has been classified as a Variant of Uncertain Significance. Advanced modeling of protein sequence and biophysical properties (such as structural, functional, and spatial information, amino acid conservation, physicochemical variation, residue mobility, and thermodynamic stability) performed at Invitae indicates that this missense variant is not expected to disrupt NR2E3 protein function. This variant has not been reported in the literature in individuals affected with NR2E3-related conditions. This variant is not present in population databases (gnomAD no frequency). This sequence change replaces threonine, which is neutral and polar, with isoleucine, which is neutral and non-polar, at codon 394 of the NR2E3 protein (p.Thr394Ile).